The following is an entry in ClinVar:

ClinVar aggregate classification (germline): Conflicting classifications of pathogenicity. Review status: criteria provided, conflicting classifications (1 of 4 stars). 5 submissions from 5 submitters: Uncertain significance (1); Likely benign (3). 1 of the submissions does not count toward it. Last evaluated 2026-01-09.

Conditions:
DNAI2-related disorder. Also called: DNAI2-related condition.
Primary ciliary dyskinesia. Also called: Ciliary dyskinesia. Identifiers: Orphanet 244, MedGen C0008780, MONDO:0016575, HP:0012265.

Allele frequency attached by ClinVar (database versions not stated): gnomAD exomes 0.00008 and 0.00016; ExAC 0.00015; ESP Exome Variant Server 0.00031; gnomAD 0.00060 and 0.00066; TOPMed 0.00076.
gnomAD v4.1: 209 of 1,614,148 alleles (0.013%); highest among the groups gnomAD compares: African/African-American, 0.26%; 1 homozygote.

Submissions (5):

Labcorp Genetics (formerly Invitae), Labcorp
Classification: Likely benign for Primary ciliary dyskinesia. Last evaluated: 2026-01-09. Review status: criteria provided, single submitter. Criteria: Invitae Variant Classification Sherloc (09022015). Collection method: clinical testing. Allele origin: germline.

PreventionGenetics, part of Exact Sciences
Classification: Likely benign for DNAI2-related condition. Last evaluated: 2025-03-19. Review status: criteria provided, single submitter. Criteria: ACMG Guidelines, 2015. Collection method: clinical testing. Allele origin: germline.
Comment: This variant is classified as likely benign based on ACMG/AMP sequence variant interpretation guidelines (Richards et al. 2015 PMID: 25741868, with internal and published modifications).

Eurofins Ntd Llc (ga)
Classification: Uncertain significance. Last evaluated: 2015-02-24. Review status: criteria provided, single submitter. Criteria: EGL Classification Definitions 2015. Collection method: clinical testing. Allele origin: germline. Observed: 1 variant allele, 1 heterozygote.

Ambry Genetics
Classification: Likely benign for Primary ciliary dyskinesia. Last evaluated: 2015-01-16. Review status: criteria provided, single submitter. Criteria: Ambry Variant Classification Scheme 2023. Collection method: clinical testing. Allele origin: germline.

Natera, Inc.
Classification: Uncertain significance for Primary ciliary dyskinesia. Last evaluated: 2020-01-17. Review status: no assertion criteria provided. Collection method: clinical testing. Allele origin: germline. Not counted in ClinVar's aggregate classification.

NM_023036.6(DNAI2):c.1188G>A (p.Arg396=)

Gene: DNAI2 (dynein axonemal intermediate chain 2; plus strand). Cytogenetic location: 17q25.1.
Variant type: single nucleotide variant.
Coding change: c.1188G>A on transcript NM_023036.6 (MANE Select); coding-DNA position 1188, G replaced by A.
Protein change: p.Arg396=; no amino-acid change (arginine 396 retained).
Molecular consequence: synonymous variant. On other transcripts: non-coding transcript variant (1).
Genome position (GRCh38, 1-based): chr17:74,305,419, G>A. VCF-style: chr17-74305419-G-A. GRCh37 (hg19) VCF-style: chr17-72301558-G-A.
Other names: c.1188G>A, p.Arg396= (NM_001172810.3, NM_001353167.2).
Identifiers: ClinVar variation 199169 (VCV000199169.20), dbSNP rs139935771, ClinGen allele CA248226.
Genomic context (GRCh38, chr17:74,305,419, plus strand): 5'-CCCGAAGAACTTCCTGACGGTTGGCGACTGGACAGCCCGCATTTGGTCTGAAGACAGCCG[G>A]GAATCGTCCATCATGTGGACCAAGTAAGAGGCGATGCTGGGGACAGGAGGGGATGCAGGA-3'
Protein context (NP_075462.3, residues 386-406): WTARIWSEDS[Arg396=]ESSIMWTKYH